The following is an entry in ClinVar:

ClinVar aggregate classification (germline): Pathogenic/Likely pathogenic. Review status: criteria provided, multiple submitters, no conflicts (2 of 4 stars). 5 submissions from 5 submitters: Pathogenic (1); Likely pathogenic (4). Last evaluated 2024-06-04.

Conditions:
PBX1-related disorder. Also called: PBX1-related condition.
Congenital anomalies of kidney and urinary tract syndrome with or without hearing loss, abnormal ears, or developmental delay. Also called: Congenital Anomalies of the Kidney and Urinary Tract syndrome with or without Hearing Loss, Abnormal Ears, or Developmental Delay. Identifiers: Orphanet 656130, MedGen C4539968, MONDO:0060549, OMIM 617641.
Inborn genetic diseases. Identifiers: MedGen C0950123, MeSH D030342.

Submissions (5):

Ambry Genetics
Classification: Likely pathogenic for Inborn genetic diseases. Last evaluated: 2024-06-04. Review status: criteria provided, single submitter. Criteria: Ambry Variant Classification Scheme 2023. Collection method: clinical testing. Allele origin: germline.
Comment: The c.863G>A (p.R288Q) alteration is located in coding exon 6 of the PBX1 gene. This alteration results from a G to A substitution at nucleotide position 863, causing the arginine (R) at amino acid position 288 to be replaced by a glutamine (Q). This variant was not reported in population-based cohorts in the Genome Aggregation Database (gnomAD). This amino acid position is highly conserved in available vertebrate species. This missense alteration is located in a region that has a low rate of benign missense variation (Lek, 2016; Firth, 2009). This alteration is predicted to be deleterious by in silico analysis. Based on the available evidence, this alteration is classified as likely pathogenic.

Blueprint Genetics
Classification: Likely pathogenic for PBX1-related disorders. Last evaluated: 2024-02-07. Review status: criteria provided, single submitter. Criteria: ACMG Guidelines, 2015. Collection method: clinical testing. Allele origin: germline. Affected: yes. Observed: 2 variant alleles.

PreventionGenetics, part of Exact Sciences
Classification: Likely pathogenic for PBX1-related condition. Last evaluated: 2023-10-09. Review status: criteria provided, single submitter. Criteria: ACMG Guidelines, 2015. Collection method: clinical testing. Allele origin: germline.
Comment: The PBX1 c.863G>A variant is predicted to result in the amino acid substitution p.Arg288Gln. To our knowledge, this variant has not been reported in the literature or in a large population database, indicating this variant is rare. This variant is located within the homeodomain of the PBX1 gene, where other de novo missense variants have been reported in patients with PBX1-related diseases (Slavotinek et al. 2017. PubMed ID: 29036646). This variant is interpreted as likely pathogenic.

Department of Maternal-Fetal Biology, National Research Institute for Child Health and Development
Classification: Pathogenic for Congenital anomalies of kidney and urinary tract syndrome with or without hearing loss, abnormal ears, or developmental delay. Last evaluated: 2022-01-01. Review status: criteria provided, single submitter. Criteria: ACMG Guidelines, 2015. Collection method: research. Allele origin: de novo. Affected: yes. Observed: 1 variant allele.

Clinical Genetics Service, Universitary Hospital 12 de Octubre
Classification: Likely pathogenic for Congenital anomalies of kidney and urinary tract syndrome with or without hearing loss, abnormal ears, or developmental delay. Review status: criteria provided, single submitter. Criteria: ACMG Guidelines, 2015. Collection method: clinical testing. Allele origin: de novo. Affected: yes.

NM_002585.4(PBX1):c.863G>A (p.Arg288Gln)

Gene: PBX1 (PBX homeobox 1; plus strand). Cytogenetic location: 1q23.3.
Variant type: single nucleotide variant.
Coding change: c.863G>A on transcript NM_002585.4 (MANE Select); coding-DNA position 863, G replaced by A.
Protein change: p.Arg288Gln; replaces arginine 288 with glutamine.
Molecular consequence: missense variant.
Genome position (GRCh38, 1-based): chr1:164,812,015, G>A. VCF-style: chr1-164812015-G-A. GRCh37 (hg19) VCF-style: chr1-164781252-G-A.
Other names: c.863G>A, p.Arg288Gln (NM_001204961.2, NM_001204963.2, NM_001353131.2); c.614G>A, p.Arg205Gln (NM_001353130.1); short protein forms R205Q, R288Q.
Identifiers: ClinVar variation 2227546 (VCV002227546.8), dbSNP rs2102345680, ClinGen allele CA343471533.